The following is an entry in ClinVar:

ClinVar aggregate classification (germline): Pathogenic (1 of 4 stars; one submission).

Submission:

Labcorp Genetics (formerly Invitae), Labcorp
Classification: Pathogenic. Last evaluated: 2022-11-29. Review status: criteria provided, single submitter. Criteria: Invitae Variant Classification Sherloc (09022015). Collection method: clinical testing. Allele origin: germline.
Comment: This variant is not present in population databases (gnomAD no frequency). This sequence change creates a premature translational stop signal (p.Arg860Lysfs*4) in the ASXL1 gene. While this is not anticipated to result in nonsense mediated decay, it is expected to disrupt the last 682 amino acid(s) of the ASXL1 protein. For these reasons, this variant has been classified as Pathogenic. This variant disrupts a region of the ASXL1 protein in which other variant(s) (p.E1400*) have been determined to be pathogenic (PMID: 31969346). This suggests that this is a clinically significant region of the protein, and that variants that disrupt it are likely to be disease-causing. This variant has not been reported in the literature in individuals affected with ASXL1-related conditions.

Literature cited by the submitters: PubMed 31969346.

NM_015338.6(ASXL1):c.2578dup (p.Arg860fs)

Gene: ASXL1 (ASXL transcriptional regulator 1; plus strand). Cytogenetic location: 20q11.21.
Variant type: Duplication.
Coding change: c.2578dup on transcript NM_015338.6 (MANE Select); coding-DNA position 2578, one base duplicated (A; older notation c.2578dupA).
Protein change: p.Arg860fs; shifts the reading frame from arginine 860.
Molecular consequence: frameshift variant.
Genome position (GRCh38, 1-based): chr20:32,435,290, A duplicated. VCF-style (leftmost placement, unchanged base first): chr20-32435289-C-CA. GRCh37 (hg19) VCF-style: chr20-31023092-C-CA.
Other names: c.2395dup, p.Arg799fs (NM_001363734.1); short protein forms R799fs, R860fs.
Identifiers: ClinVar variation 2814941 (VCV002814941.3), dbSNP rs2515567183, ClinGen allele CA2739277144.